The following is an entry in ClinVar:

NM_015065.3(EXPH5):c.1612G>A (p.Gly538Arg)

Gene: EXPH5 (exophilin 5; minus strand). Cytogenetic location: 11q22.3.
Variant type: single nucleotide variant.
Coding change: c.1612G>A on transcript NM_015065.3 (MANE Select); coding-DNA position 1612, G replaced by A.
Protein change: p.Gly538Arg; replaces glycine 538 with arginine.
Molecular consequence: missense variant.
Genome position (GRCh38, 1-based): chr11:108,513,895, C>T on the plus strand (G>A on the coding strand, the complement: EXPH5 is on the minus strand). VCF-style: chr11-108513895-C-T. GRCh37 (hg19) VCF-style: chr11-108384622-C-T.
Other names: c.1612G>A (NM_015065.2); c.1384G>A, p.Gly462Arg (NM_001144763.2); c.1144G>A, p.Gly382Arg (NM_001144764.2); c.1048G>A, p.Gly350Arg (NM_001144765.2); c.1591G>A, p.Gly531Arg (NM_001308019.2); short protein forms G538R, G350R, G382R, G462R, G531R.
Identifiers: ClinVar variation 2080824 (VCV002080824.7), dbSNP rs115654729, ClinGen allele CA6268001.

ClinVar aggregate classification (germline): Likely benign. Review status: criteria provided, multiple submitters, no conflicts (2 of 4 stars). 3 submissions from 3 submitters: Likely benign (2). 1 of the submissions does not count toward it. Last evaluated 2026-01-16.

Conditions:
EXPH5-related disorder. Also called: EXPH5-related condition.

Allele frequency attached by ClinVar (database versions not stated): gnomAD exomes 0.00007; ExAC 0.00028; gnomAD 0.00102; TOPMed 0.00116; ESP Exome Variant Server 0.00138; 1000 Genomes Project 0.00180; 1000 Genomes Project 30x 0.00187.
gnomAD v4.1: 266 of 1,611,388 alleles (0.017%); highest among the groups gnomAD compares: African/African-American, 0.31%; 1 homozygote.

Submissions (3):

Labcorp Genetics (formerly Invitae), Labcorp
Classification: Likely benign. Last evaluated: 2026-01-16. Review status: criteria provided, single submitter. Criteria: Invitae Variant Classification Sherloc (09022015). Collection method: clinical testing. Allele origin: germline.

Breakthrough Genomics
Classification: Likely benign. Review status: criteria provided, single submitter. Criteria: ACMG Guidelines, 2015. Collection method: not provided. Allele origin: germline. Inheritance: Autosomal recessive inheritance. Affected: yes.

PreventionGenetics, part of Exact Sciences
Classification: Likely benign for EXPH5-related condition. Last evaluated: 2024-06-14. Review status: no assertion criteria provided. Collection method: clinical testing. Allele origin: germline. Not counted in ClinVar's aggregate classification.
Comment: This variant is classified as likely benign based on ACMG/AMP sequence variant interpretation guidelines (Richards et al. 2015 PMID: 25741868, with internal and published modifications).